The following is an entry in ClinVar:

NM_007289.4(MME):c.1915C>T (p.Leu639Phe)

Gene: MME (membrane metalloendopeptidase; plus strand). Cytogenetic location: 3q25.2.
Variant type: single nucleotide variant.
Coding change: c.1915C>T on transcript NM_007289.4 (MANE Select); coding-DNA position 1915, C replaced by T.
Protein change: p.Leu639Phe; replaces leucine 639 with phenylalanine.
Molecular consequence: missense variant.
Genome position (GRCh38, 1-based): chr3:155,168,732, C>T. VCF-style: chr3-155168732-C-T. GRCh37 (hg19) VCF-style: chr3-154886521-C-T.
Other names: c.1915C>T, p.Leu639Phe (NM_000902.5, NM_001354642.2, NM_001354643.1 and 2 more transcripts); short protein forms L639F.
Identifiers: ClinVar variation 2059503 (VCV002059503.1), dbSNP rs779387543, ClinGen allele CA2675687.

ClinVar aggregate classification (germline): Uncertain significance (1 of 4 stars; one submission).

Allele frequency attached by ClinVar (database versions not stated): ExAC 0.00001.

Submission:

Labcorp Genetics (formerly Invitae), Labcorp
Classification: Uncertain significance. Last evaluated: 2021-12-25. Review status: criteria provided, single submitter. Criteria: Invitae Variant Classification Sherloc (09022015). Collection method: clinical testing. Allele origin: germline.
Comment: This sequence change replaces leucine, which is neutral and non-polar, with phenylalanine, which is neutral and non-polar, at codon 639 of the MME protein (p.Leu639Phe). This variant is present in population databases (rs779387543, gnomAD 0.0009%). This variant has not been reported in the literature in individuals affected with MME-related conditions. Algorithms developed to predict the effect of missense changes on protein structure and function are either unavailable or do not agree on the potential impact of this missense change (SIFT: "Deleterious"; PolyPhen-2: "Probably Damaging"; Align-GVGD: "Class C0"). In summary, the available evidence is currently insufficient to determine the role of this variant in disease. Therefore, it has been classified as a Variant of Uncertain Significance.